The following is an entry in ClinVar:

NM_000038.6(APC):c.5119T>C (p.Ser1707Pro)

Gene: APC (APC regulator of Wnt signaling pathway; plus strand). Cytogenetic location: 5q22.2.
Variant type: single nucleotide variant.
Coding change: c.5119T>C on transcript NM_000038.6 (MANE Select); coding-DNA position 5119, T replaced by C.
Protein change: p.Ser1707Pro; replaces serine 1707 with proline.
Molecular consequence: missense variant.
Genome position (GRCh38, 1-based): chr5:112,840,713, T>C. VCF-style: chr5-112840713-T-C. GRCh37 (hg19) VCF-style: chr5-112176410-T-C.
Other names: c.5119T>C, p.Ser1707Pro (NM_001127510.3, NM_001354895.2); c.5065T>C, p.Ser1689Pro (NM_001127511.3); c.5173T>C, p.Ser1725Pro (NM_001354896.2); c.5149T>C, p.Ser1717Pro (NM_001354897.2); c.5044T>C, p.Ser1682Pro (NM_001354898.2); c.5035T>C, p.Ser1679Pro (NM_001354899.2); c.4996T>C, p.Ser1666Pro (NM_001354900.2); c.4942T>C, p.Ser1648Pro (NM_001354901.2); and 5 more; short protein forms S1707P, S1689P, S1547P, S1606P, S1682P, S1581P, S1648P, S1666P.
Identifiers: ClinVar variation 574199 (VCV000574199.17), dbSNP rs1561597836, ClinGen allele CA16032519.
Genomic context (GRCh38, chr5:112,840,713, plus strand): 5'-CGAGATACCATTCCTACAGAAGGCAGAAGTACAGATGAGGCTCAAGGAGGAAAAACCTCA[T>C]CTGTAACCATACCTGAATTGGATGACAATAAAGCAGAGGAAGGTGATATTCTTGCAGAAT-3'
Protein context (NP_000029.2, residues 1697-1717): TDEAQGGKTS[Ser1707Pro]VTIPELDDNK

ClinVar aggregate classification (germline): Uncertain significance. Review status: criteria provided, multiple submitters, no conflicts (2 of 4 stars). 2 submissions from 2 submitters: Uncertain significance (2). Last evaluated 2025-08-11.

Conditions:
Familial adenomatous polyposis 1 (FAP1). Also called: POLYPOSIS, ADENOMATOUS INTESTINAL; FAMILIAL ADENOMATOUS POLYPOSIS 1, ATTENUATED. Identifiers: MedGen C2713442, MONDO:0021056, OMIM 175100. Disease mechanism: loss of function.
Hereditary cancer-predisposing syndrome. Also called: Neoplastic Syndromes, Hereditary; Hereditary Cancer Syndrome; Tumor predisposition; Hereditary neoplastic syndrome. Identifiers: Orphanet 140162, MedGen C0027672, MeSH D009386, MONDO:0015356.

gnomAD v4.1: 3 of 1,614,112 alleles (0.00019%); highest among the groups gnomAD compares: Middle Eastern, 0.016%; no homozygotes.

Submissions (2):

Labcorp Genetics (formerly Invitae), Labcorp
Classification: Uncertain significance for Familial adenomatous polyposis 1. Last evaluated: 2025-08-11. Review status: criteria provided, single submitter. Criteria: Invitae Variant Classification Sherloc (09022015). Collection method: clinical testing. Allele origin: germline.
Comment: This sequence change replaces serine, which is neutral and polar, with proline, which is neutral and non-polar, at codon 1707 of the APC protein (p.Ser1707Pro). This variant is not present in population databases (gnomAD no frequency). This variant has not been reported in the literature in individuals affected with APC-related conditions. ClinVar contains an entry for this variant (Variation ID: 574199). Invitae Evidence Modeling of protein sequence and biophysical properties (such as structural, functional, and spatial information, amino acid conservation, physicochemical variation, residue mobility, and thermodynamic stability) indicates that this missense variant is not expected to disrupt APC protein function with a negative predictive value of 95%. In summary, the available evidence is currently insufficient to determine the role of this variant in disease. Therefore, it has been classified as a Variant of Uncertain Significance.

Ambry Genetics
Classification: Uncertain significance for Hereditary cancer-predisposing syndrome. Last evaluated: 2024-12-10. Review status: criteria provided, single submitter. Criteria: Ambry Variant Classification Scheme 2023. Collection method: clinical testing. Allele origin: germline.
Comment: The p.S1707P variant (also known as c.5119T>C), located in coding exon 15 of the APC gene, results from a T to C substitution at nucleotide position 5119. The serine at codon 1707 is replaced by proline, an amino acid with similar properties. This amino acid position is not well conserved in available vertebrate species. In addition, in silico predictors for this gene do not accurately predict pathogenicity. Since supporting evidence is limited at this time, the clinical significance of this alteration remains unclear.

Literature cited by the submitters: PubMed 25819062 (cited by Ambry Genetics).